The following is an entry in ClinVar:

ClinVar aggregate classification (germline): Uncertain significance. Review status: criteria provided, multiple submitters, no conflicts (2 of 4 stars). 2 submissions from 2 submitters: Uncertain significance (2). Last evaluated 2024-09-11.

Conditions:
Ehlers-Danlos syndrome, classic type, 1 (EDSCL1). Also called: Ehlers-Danlos Syndrome, Classic Type, COL5A1-Related; EHLERS-DANLOS SYNDROME, GRAVIS TYPE; EHLERS-DANLOS SYNDROME, SEVERE CLASSIC TYPE; Ehlers-Danlos syndrome, type 1; EDS I. Identifiers: MedGen C0268335, MONDO:0019567, OMIM 130000.

Submissions (2):

Labcorp Genetics (formerly Invitae), Labcorp
Classification: Uncertain significance for Ehlers-Danlos syndrome, classic type, 1. Last evaluated: 2024-09-11. Review status: criteria provided, single submitter. Criteria: Invitae Variant Classification Sherloc (09022015). Collection method: clinical testing. Allele origin: germline.
Comment: This sequence change replaces glycine, which is neutral and non-polar, with glutamic acid, which is acidic and polar, at codon 1164 of the COL5A2 protein (p.Gly1164Glu). This variant is not present in population databases (gnomAD no frequency). This variant has not been reported in the literature in individuals affected with COL5A2-related conditions. ClinVar contains an entry for this variant (Variation ID: 213157). Invitae Evidence Modeling of protein sequence and biophysical properties (such as structural, functional, and spatial information, amino acid conservation, physicochemical variation, residue mobility, and thermodynamic stability) indicates that this missense variant is expected to disrupt COL5A2 protein function with a positive predictive value of 80%. In summary, the available evidence is currently insufficient to determine the role of this variant in disease. Therefore, it has been classified as a Variant of Uncertain Significance.

GeneDx
Classification: Uncertain significance. Last evaluated: 2014-10-20. Review status: criteria provided, single submitter. Criteria: GeneDx Variant Classification (06012015). Collection method: clinical testing. Allele origin: germline. Affected: yes.
Comment: TAAD is a genetically heterogeneous disorder characterized by aortic dilatation, aneurysms, dissections and/or aneurysms of other major arteries. Approximately 4% of patients with autosomal dominant Ehlers-Danlos syndrome, classic type, have been reported to have a mutation in the COL5A2 gene (Malfait F et al., 2011). p.Gly1164Glu (GGA>GAA): c.3491 G>A in exon 49 of the COL5A2 gene (NM_000393.3) A variant of unknown significance has been identified in the COL5A2 gene. The G1164E variant has not been published as a mutation, nor has it been reported as a benign polymorphism to our knowledge. The G1164E variant was not observed in approximately 6,500 individuals of European and African American ancestry in the NHLBI Exome Sequencing Project, indicating it is not a common benign variant in these populations. The G1164E variant is a non-conservative amino acid substitution, which is likely to impact secondary protein structure as these residues differ in polarity, charge, size and/or other properties. Additionally, this substitution occurs at a position that is conserved across species and in silico analysis predicts this variant is probably damaging to the protein structure/function. However, missense mutations in nearby residues have not been reported indicating this region of the protein may be tolerant of change. Therefore, based on the currently available information, it is unclear whether this variant is a pathogenic mutation or a rare benign variant. This variant was found in TAAD.

NM_000393.5(COL5A2):c.3491G>A (p.Gly1164Glu)

Gene: COL5A2 (collagen type V alpha 2 chain; minus strand). Cytogenetic location: 2q32.2.
Variant type: single nucleotide variant.
Coding change: c.3491G>A on transcript NM_000393.5 (MANE Select); coding-DNA position 3491, G replaced by A.
Protein change: p.Gly1164Glu; replaces glycine 1164 with glutamic acid.
Molecular consequence: missense variant.
Genome position (GRCh38, 1-based): chr2:189,042,754, C>T on the plus strand (G>A on the coding strand, the complement: COL5A2 is on the minus strand). VCF-style: chr2-189042754-C-T. GRCh37 (hg19) VCF-style: chr2-189907480-C-T.
Other names: p.G1164E:GGA>GAA; short protein forms G1164E.
Identifiers: ClinVar variation 213157 (VCV000213157.13), dbSNP rs863223508, ClinGen allele CA323022.
Genomic context (GRCh38, chr2:189,042,754, plus strand): 5'-GCAACTTACTACTTTTTGTTACTTACTCTTGGGCCAAATGGTCCAGGGATTCCAGCACTT[C>T]CTTGTTCACCATTTGGACCCTAAGTAGGAATACAATAAAAAATGTTGCCAAAATATTTGG-3'
Protein context (NP_000384.2, residues 1154-1174): PGPPGPNGEQ[Gly1164Glu]SAGIPGPFGP